The following is an entry in ClinVar:

NM_004336.5(BUB1):c.2212G>A (p.Val738Ile)

Gene: BUB1 (BUB1 mitotic checkpoint serine/threonine kinase; minus strand). Cytogenetic location: 2q13.
Variant type: single nucleotide variant.
Coding change: c.2212G>A on transcript NM_004336.5 (MANE Select); coding-DNA position 2212, G replaced by A.
Protein change: p.Val738Ile; replaces valine 738 with isoleucine.
Molecular consequence: missense variant.
Genome position (GRCh38, 1-based): chr2:110,649,369, C>T on the plus strand (G>A on the coding strand, the complement: BUB1 is on the minus strand). VCF-style: chr2-110649369-C-T. GRCh37 (hg19) VCF-style: chr2-111406946-C-T.
Other names: c.2152G>A, p.Val718Ile (NM_001278616.2); c.2212G>A, p.Val738Ile (NM_001278617.2); short protein forms V718I, V738I.
Identifiers: ClinVar variation 1787785 (VCV001787785.3), dbSNP rs369816762, ClinGen allele CA348209647.

ClinVar aggregate classification (germline): Uncertain significance (1 of 4 stars; one submission).

Allele frequency attached by ClinVar (database versions not stated): gnomAD exomes below 0.00001.
gnomAD v4.1: 2 of 1,423,054 alleles (0.00014%); highest among the groups gnomAD compares: Non-Finnish European, 0.000092%; no homozygotes.

Submission:

Ambry Genetics
Classification: Uncertain significance. Last evaluated: 2024-10-18. Review status: criteria provided, single submitter. Criteria: Ambry Variant Classification Scheme 2023. Collection method: clinical testing. Allele origin: germline.
Comment: The p.V738I variant (also known as c.2212G>A), located in coding exon 19 of the BUB1 gene, results from a G to A substitution at nucleotide position 2212. The valine at codon 738 is replaced by isoleucine, an amino acid with highly similar properties. This amino acid position is conserved. In addition, this alteration is predicted to be tolerated by in silico analysis. Since supporting evidence is limited at this time, the clinical significance of this alteration remains unclear.